The following is an entry in ClinVar:

NM_022124.6(CDH23):c.4471G>A (p.Asp1491Asn)

Gene: CDH23 (cadherin related 23; plus strand). Cytogenetic location: 10q22.1.
Variant type: single nucleotide variant.
Coding change: c.4471G>A on transcript NM_022124.6 (MANE Select); coding-DNA position 4471, G replaced by A.
Protein change: p.Asp1491Asn; replaces aspartic acid 1491 with asparagine.
Molecular consequence: missense variant.
Genome position (GRCh38, 1-based): chr10:71,739,755, G>A. VCF-style: chr10-71739755-G-A. GRCh37 (hg19) VCF-style: chr10-73499512-G-A.
Other names: short protein forms D1491N.
Identifiers: ClinVar variation 1423352 (VCV001423352.5), dbSNP rs778345244, ClinGen allele CA377160226.

ClinVar aggregate classification (germline): Uncertain significance (1 of 4 stars; one submission).

Allele frequency attached by ClinVar (database versions not stated): gnomAD 0.00003; TOPMed below 0.00001.
gnomAD v4.1: 7 of 1,611,850 alleles (0.00043%); highest among the groups gnomAD compares: Admixed American, 0.012%; no homozygotes.

Submission:

Labcorp Genetics (formerly Invitae), Labcorp
Classification: Uncertain significance. Last evaluated: 2022-07-19. Review status: criteria provided, single submitter. Criteria: Invitae Variant Classification Sherloc (09022015). Collection method: clinical testing. Allele origin: germline.
Comment: This sequence change replaces aspartic acid, which is acidic and polar, with asparagine, which is neutral and polar, at codon 1491 of the CDH23 protein (p.Asp1491Asn). This variant is present in population databases (no rsID available, gnomAD 0.006%). This variant has not been reported in the literature in individuals affected with CDH23-related conditions. ClinVar contains an entry for this variant (Variation ID: 1423352). Algorithms developed to predict the effect of missense changes on protein structure and function are either unavailable or do not agree on the potential impact of this missense change (SIFT: "Deleterious"; PolyPhen-2: "Not Available"; Align-GVGD: "Class C0"). In summary, the available evidence is currently insufficient to determine the role of this variant in disease. Therefore, it has been classified as a Variant of Uncertain Significance.